The following is an entry in ClinVar:

ClinVar aggregate classification (germline): Uncertain significance (1 of 4 stars; one submission).

Submission:

GeneDx
Classification: Uncertain significance. Last evaluated: 2024-06-16. Review status: criteria provided, single submitter. Criteria: GeneDx Variant Classification Process June 2021. Collection method: clinical testing. Allele origin: germline. Affected: yes.
Comment: Not observed at significant frequency in large population cohorts (gnomAD); In silico analysis indicates that this missense variant does not alter protein structure/function; Has not been previously published as pathogenic or benign to our knowledge

NM_001323289.2(CDKL5):c.2060A>G (p.His687Arg)

Gene: CDKL5 (cyclin dependent kinase like 5; plus strand). Cytogenetic location: Xp22.13.
Variant type: single nucleotide variant.
Coding change: c.2060A>G on transcript NM_001323289.2 (MANE Select); coding-DNA position 2060, A replaced by G.
Protein change: p.His687Arg; replaces histidine 687 with arginine.
Molecular consequence: missense variant.
Genome position (GRCh38, 1-based): chrX:18,609,478, A>G. VCF-style: chrX-18609478-A-G. GRCh37 (hg19) VCF-style: chrX-18627598-A-G.
Other names: c.2060A>G, p.His687Arg (NM_001037343.2, NM_003159.3); short protein forms H687R.
Identifiers: ClinVar variation 3390647 (VCV003390647.1).